The following is an entry in ClinVar:

ClinVar aggregate classification (germline): Uncertain significance. Review status: criteria provided, single submitter (1 of 4 stars). 2 submissions from 2 submitters: Uncertain significance (1). 1 of the submissions does not count toward it. Last evaluated 2022-10-25.

Conditions:
Primary familial hypertrophic cardiomyopathy (HCM). Identifiers: Orphanet 99739, MedGen C0949658, MeSH D024741, MONDO:0024573. Inheritance: Various modes of inheritance.
Dilated cardiomyopathy 1AA (CMD1AA). Also called: Cardiomyopathy, dilated, 1AA, with or without LVNC; CARDIOMYOPATHY, DILATED, 1AA, WITH OR WITHOUT LEFT VENTRICULAR NONCOMPACTION; CARDIOMYOPATHY, FAMILIAL HYPERTROPHIC, 23, WITH OR WITHOUT LEFT VENTRICULAR NONCOMPACTION. Identifiers: Orphanet 154, MedGen C2677338, MONDO:0012808, OMIM 612158.
Cardiomyopathy, familial hypertrophic, 23, with or without ventricular noncompaction. Also called: Cardiomyopathy, hypertrophic, 23, with or without LVNC; Familial hypertrophic cardiomyopathy 23. Identifiers: MedGen C4225649, MONDO:0800347.

Submissions (2):

Labcorp Genetics (formerly Invitae), Labcorp
Classification: Uncertain significance for Primary familial hypertrophic cardiomyopathy; Dilated cardiomyopathy 1AA. Last evaluated: 2022-10-25. Review status: criteria provided, single submitter. Criteria: Invitae Variant Classification Sherloc (09022015). Collection method: clinical testing. Allele origin: germline.
Comment: This missense change has been observed in individual(s) with hypertrophic cardiomyopathy (PMID: 17097056). ClinVar contains an entry for this variant (Variation ID: 189514). This variant is not present in population databases (gnomAD no frequency). This sequence change replaces glycine, which is neutral and non-polar, with valine, which is neutral and non-polar, at codon 111 of the ACTN2 protein (p.Gly111Val). In summary, the available evidence is currently insufficient to determine the role of this variant in disease. Therefore, it has been classified as a Variant of Uncertain Significance. Experimental studies have shown that this missense change affects ACTN2 function (PMID: 27287556). Advanced modeling of protein sequence and biophysical properties (such as structural, functional, and spatial information, amino acid conservation, physicochemical variation, residue mobility, and thermodynamic stability) performed at Invitae indicates that this missense variant is expected to disrupt ACTN2 protein function.

OMIM
Classification: Pathogenic for CARDIOMYOPATHY, FAMILIAL HYPERTROPHIC, 23. Last evaluated: 2006-12-29. Review status: no assertion criteria provided. Collection method: literature only. Allele origin: germline. Not counted in ClinVar's aggregate classification.

Literature cited by the submitters: PubMed 17097056 (cited by Labcorp Genetics (formerly Invitae), Labcorp and OMIM); PubMed 27287556 (cited by Labcorp Genetics (formerly Invitae), Labcorp).

NM_001103.4(ACTN2):c.332G>T (p.Gly111Val)

Gene: ACTN2 (actinin alpha 2; plus strand). Cytogenetic location: 1q43.
Variant type: single nucleotide variant.
Coding change: c.332G>T on transcript NM_001103.4 (MANE Select); coding-DNA position 332, G replaced by T.
Protein change: p.Gly111Val; replaces glycine 111 with valine.
Molecular consequence: missense variant. On other transcripts: 5 prime UTR variant (1).
Genome position (GRCh38, 1-based): chr1:236,718,984, G>T. VCF-style: chr1-236718984-G-T. GRCh37 (hg19) VCF-style: chr1-236882284-G-T.
Other names: c.332G>T, p.Gly111Val (NM_001278343.2); c.-490G>T (NM_001278344.2); short protein forms G111V.
Identifiers: ClinVar variation 189514 (VCV000189514.7), dbSNP rs786204949, ClinGen allele CA199271.